The following is an entry in ClinVar:

ClinVar aggregate classification (germline): Uncertain significance (1 of 4 stars; one submission).

Allele frequency attached by ClinVar (database versions not stated): TOPMed below 0.00001; gnomAD 0.00001.
gnomAD v4.1: 12 of 1,613,846 alleles (0.00074%); highest among the groups gnomAD compares: Non-Finnish European, 0.001%; no homozygotes.

Submission:

Labcorp Genetics (formerly Invitae), Labcorp
Classification: Uncertain significance. Last evaluated: 2025-07-14. Review status: criteria provided, single submitter. Criteria: Invitae Variant Classification Sherloc (09022015). Collection method: clinical testing. Allele origin: germline.
Comment: This sequence change replaces arginine, which is basic and polar, with cysteine, which is neutral and slightly polar, at codon 571 of the SCN3A protein (p.Arg571Cys). This variant is present in population databases (rs776460316, gnomAD 0.002%). This variant has not been reported in the literature in individuals affected with SCN3A-related conditions. ClinVar contains an entry for this variant (Variation ID: 1054577). Invitae Evidence Modeling of protein sequence and biophysical properties (such as structural, functional, and spatial information, amino acid conservation, physicochemical variation, residue mobility, and thermodynamic stability) has been performed for this missense variant. However, the output from this modeling did not meet the statistical confidence thresholds required to predict the impact of this variant on SCN3A protein function. In summary, the available evidence is currently insufficient to determine the role of this variant in disease. Therefore, it has been classified as a Variant of Uncertain Significance.

NM_006922.4(SCN3A):c.1711C>T (p.Arg571Cys)

Gene: SCN3A (sodium voltage-gated channel alpha subunit 3; minus strand). Cytogenetic location: 2q24.3.
Variant type: single nucleotide variant.
Coding change: c.1711C>T on transcript NM_006922.4 (MANE Select); coding-DNA position 1711, C replaced by T.
Protein change: p.Arg571Cys; replaces arginine 571 with cysteine.
Molecular consequence: missense variant.
Genome position (GRCh38, 1-based): chr2:165,140,959, G>A on the plus strand (C>T on the coding strand, the complement: SCN3A is on the minus strand). VCF-style: chr2-165140959-G-A. GRCh37 (hg19) VCF-style: chr2-165997469-G-A.
Other names: c.1711C>T, p.Arg571Cys (NM_001081676.2, NM_001081677.2); short protein forms R571C.
Identifiers: ClinVar variation 1054577 (VCV001054577.9), dbSNP rs776460316, ClinGen allele CA1939094.